The following is an entry in ClinVar:

ClinVar aggregate classification (germline): Conflicting classifications of pathogenicity. Review status: criteria provided, conflicting classifications (1 of 4 stars). 2 submissions from 2 submitters: Uncertain significance (1); Likely benign (1). Last evaluated 2025-05-21.

Conditions:
Menkes kinky-hair syndrome (MNK). Also called: Copper transport disease; Menkes Disease; Classic Menkes Disease. Identifiers: Orphanet 565, MedGen C0022716, MONDO:0010651, OMIM 309400.
Cutis laxa, X-linked (OHS). Also called: EDS IX; Occipital horn syndrome. Identifiers: Orphanet 198, MedGen C0268353, MONDO:0010572, OMIM 304150.
X-linked distal spinal muscular atrophy type 3. Also called: ATP7A-Related Distal Motor Neuropathy; SPINAL MUSCULAR ATROPHY, DISTAL, X-LINKED RECESSIVE; NEURONOPATHY, DISTAL HEREDITARY MOTOR, X-LINKED; NEUROPATHY, DISTAL HEREDITARY MOTOR, X-LINKED. Identifiers: Orphanet 139557, MedGen C1845359, MONDO:0010338, OMIM 300489.

Allele frequency attached by ClinVar (database versions not stated): gnomAD exomes below 0.00001; TOPMed below 0.00001; ExAC 0.00001.
gnomAD v4.1: 1 of 1,188,603 alleles (0.000084%); highest among the groups gnomAD compares: Non-Finnish European, 0.00011%; no homozygotes.

Submissions (2):

Women's Health and Genetics/Laboratory Corporation of America, LabCorp
Classification: Uncertain significance. Last evaluated: 2025-05-21. Review status: criteria provided, single submitter. Criteria: LabCorp Variant Classification Summary - May 2015. Collection method: clinical testing. Allele origin: germline.
Comment: Variant summary: ATP7A c.2492T>A (p.Leu831His) results in a non-conservative amino acid change in the encoded protein sequence. Algorithms developed to predict the effect of missense changes on protein structure and function all suggest that this variant is likely to be disruptive. The variant allele was found at a frequency of 5.5e-06 in 180488 control chromosomes. The available data on variant occurrences in the general population are insufficient to allow any conclusion about variant significance. To our knowledge, no occurrence of c.2492T>A in individuals affected with Menkes kinky-hair syndrome and no experimental evidence demonstrating its impact on protein function have been reported. ClinVar contains an entry for this variant (Variation ID: 2929742). Based on the evidence outlined above, the variant was classified as uncertain significance.

Labcorp Genetics (formerly Invitae), Labcorp
Classification: Likely benign for X-linked distal spinal muscular atrophy type 3; Cutis laxa, X-linked; Menkes kinky-hair syndrome. Last evaluated: 2024-04-04. Review status: criteria provided, single submitter. Criteria: Invitae Variant Classification Sherloc (09022015). Collection method: clinical testing. Allele origin: germline.

NM_000052.7(ATP7A):c.2492T>A (p.Leu831His)

Gene: ATP7A (ATPase copper transporting alpha; plus strand). Cytogenetic location: Xq21.1.
Variant type: single nucleotide variant.
Coding change: c.2492T>A on transcript NM_000052.7 (MANE Select); coding-DNA position 2492, T replaced by A.
Protein change: p.Leu831His; replaces leucine 831 with histidine.
Molecular consequence: missense variant.
Genome position (GRCh38, 1-based): chrX:78,014,747, T>A. VCF-style: chrX-78014747-T-A. GRCh37 (hg19) VCF-style: chrX-77270244-T-A.
Other names: c.2258T>A, p.Leu753His (NM_001282224.2); short protein forms L753H, L831H.
Identifiers: ClinVar variation 2929742 (VCV002929742.4), dbSNP rs782451569, ClinGen allele CA10459276.